The following is an entry in ClinVar:

NM_001267550.2(TTN):c.103154G>A (p.Arg34385Lys)

Genes: TTN-AS1 (TTN antisense RNA 1; plus strand), TTN (titin; minus strand). Cytogenetic location: 2q31.2.
Variant type: single nucleotide variant.
Coding change: c.103154G>A on transcript NM_001267550.2 (MANE Select); coding-DNA position 103154, G replaced by A.
Protein change: p.Arg34385Lys; replaces arginine 34385 with lysine.
Molecular consequence: missense variant.
Genome position (GRCh38, 1-based): chr2:178,533,461, C>T on the plus strand (G>A on the coding strand, the complement: TTN is on the minus strand). VCF-style: chr2-178533461-C-T. GRCh37 (hg19) VCF-style: chr2-179398188-C-T.
Other names: c.98231G>A, p.Arg32744Lys (NM_001256850.1); c.75959G>A, p.Arg25320Lys (NM_003319.4); c.95450G>A, p.Arg31817Lys (NM_133378.4); c.76334G>A, p.Arg25445Lys (NM_133432.3); c.76535G>A, p.Arg25512Lys (NM_133437.4); short protein forms R25512K, R32744K, R31817K, R34385K, R25320K, R25445K.
Identifiers: ClinVar variation 4790140 (VCV004790140.1).
Genomic context (GRCh38, chr2:178,533,461, plus strand): 5'-AGGGACAGTGGCTGACCATCTTTCTCCCATTTTAATGTTGGTGGGGGGATGCCAGACACT[C>T]TGATCTCAAAGCAGACACTTTGGCCTTCTTGGCATTCTGCATTTGCCAGTAACCTTTTGA-3'
Protein context (NP_001254479.2, residues 34375-34395): QEGQSVCFEI[Arg34385Lys]VSGIPPPTLK

ClinVar aggregate classification (germline): Uncertain significance (1 of 4 stars; one submission).

Conditions:
Autosomal recessive limb-girdle muscular dystrophy type 2J (LGMDR10). Also called: Limb-girdle muscular dystrophy, type 2J; MUSCULAR DYSTROPHY, LIMB-GIRDLE, AUTOSOMAL RECESSIVE 10. Identifiers: Orphanet 140922, MedGen C1837342, MONDO:0012127, OMIM 608807.
Dilated cardiomyopathy 1G (CMD1G). Identifiers: Orphanet 154, MedGen C1858763, MONDO:0011400, OMIM 604145.

Submission:

Labcorp Genetics (formerly Invitae), Labcorp
Classification: Uncertain significance for Dilated cardiomyopathy 1G; Autosomal recessive limb-girdle muscular dystrophy type 2J. Last evaluated: 2025-12-09. Review status: criteria provided, single submitter. Criteria: Invitae Variant Classification Sherloc (09022015). Collection method: clinical testing. Allele origin: germline.
Comment: This sequence change replaces arginine, which is basic and polar, with lysine, which is basic and polar, at codon 34385 of the TTN protein (p.Arg34385Lys). This variant is not present in population databases (gnomAD no frequency). This variant has not been reported in the literature in individuals affected with TTN-related conditions. Experimental studies and prediction algorithms are not available or were not evaluated, and the functional significance of this variant is currently unknown. This variant is located in the M band of TTN (PMID: 25589632). Non-truncating variants in this region may be relevant for neuromuscular disorders, but have not been definitively shown to cause cardiomyopathy (PMID: 23975875). In summary, the available evidence is currently insufficient to determine the role of this variant in disease. Therefore, it has been classified as a Variant of Uncertain Significance.

Literature cited by the submitters: PubMed 25589632; PubMed 23975875.